The following is an entry in ClinVar:

ClinVar aggregate classification (germline): Benign (1 of 4 stars; one submission).

Allele frequency attached by ClinVar (database versions not stated): TOPMed 0.69058; gnomAD 0.70225; 1000 Genomes Project 0.71486; 1000 Genomes Project 30x 0.70784.
gnomAD v4.1: 105,630 of 151,760 alleles (70%); highest among the groups gnomAD compares: East Asian, 98%; 38,121 homozygotes.

Submission:

GeneDx
Classification: Benign. Last evaluated: 2018-06-14. Review status: criteria provided, single submitter. Criteria: GeneDx Variant Classification (06012015). Collection method: clinical testing. Allele origin: germline. Affected: yes.
Comment: This variant is considered likely benign or benign based on one or more of the following criteria: it is a conservative change, it occurs at a poorly conserved position in the protein, it is predicted to be benign by multiple in silico algorithms, and/or has population frequency not consistent with disease.

NM_203447.4(DOCK8):c.4785+304G>T

Gene: DOCK8 (dedicator of cytokinesis 8; plus strand). Cytogenetic location: 9p24.3.
Variant type: single nucleotide variant.
Coding change: c.4785+304G>T on transcript NM_203447.4 (MANE Select); 304 bases into the intron after coding-DNA position 4785, G replaced by T.
Molecular consequence: intron variant.
Genome position (GRCh38, 1-based): chr9:432,628, G>T. VCF-style: chr9-432628-G-T. GRCh37 (hg19) VCF-style: chr9-432628-G-T.
Other names: c.4581+304G>T (NM_001193536.2); c.4485+304G>T (NM_001190458.2).
Identifiers: ClinVar variation 667683 (VCV000667683.1), dbSNP rs7024679, ClinGen allele CA13005035.